The following is an entry in ClinVar:

ClinVar aggregate classification (germline): Uncertain significance (1 of 4 stars; one submission).

Conditions:
Hereditary sensory and autonomic neuropathy type 6. Also called: HSAN VI; Neuropathy, hereditary sensory and autonomic, type VI. Identifiers: Orphanet 314381, MedGen C3539003, MONDO:0013839, OMIM 614653.
Epidermolysis bullosa simplex 3, localized or generalized intermediate, with BP230 deficiency (EBS3). Also called: Epidermolysis bullosa simplex due to BP230 deficiency; Epidermolysis bullosa simplex, autosomal recessive 2. Identifiers: Orphanet 412181, MedGen C3809470, MONDO:0014180, OMIM 615425.

Allele frequency attached by ClinVar (database versions not stated): gnomAD exomes below 0.00001; TOPMed below 0.00001; gnomAD 0.00001.

Submission:

Labcorp Genetics (formerly Invitae), Labcorp
Classification: Uncertain significance for Epidermolysis bullosa simplex 3, localized or generalized intermediate, with BP230 deficiency; Hereditary sensory and autonomic neuropathy type 6. Last evaluated: 2020-10-27. Review status: criteria provided, single submitter. Criteria: Invitae Variant Classification Sherloc (09022015). Collection method: clinical testing. Allele origin: germline.
Comment: This variant is not present in population databases (ExAC no frequency). This sequence change replaces methionine with isoleucine at codon 3940 of the DST protein (p.Met3940Ile). The DST gene has multiple clinically relevant transcripts. This variant occurs in alternate transcript NM_015548.4, and corresponds to NM_001723.5:c.*113946G>A in the primary transcript. This variant has not been reported in the literature in individuals with DST-related conditions. In summary, the available evidence is currently insufficient to determine the role of this variant in disease. Therefore, it has been classified as a Variant of Uncertain Significance. Experimental studies and prediction algorithms are not available or were not evaluated, and the functional significance of this variant is currently unknown.

NM_001374736.1(DST):c.19689G>A (p.Met6563Ile)

Gene: DST (dystonin; minus strand). Cytogenetic location: 6p12.1.
Variant type: single nucleotide variant.
Coding change: c.19689G>A on transcript NM_001374736.1 (MANE Select); coding-DNA position 19689, G replaced by A.
Protein change: p.Met6563Ile; replaces methionine 6563 with isoleucine.
Molecular consequence: missense variant.
Genome position (GRCh38, 1-based): chr6:56,501,571, C>T on the plus strand (G>A on the coding strand, the complement: DST is on the minus strand). VCF-style: chr6-56501571-C-T. GRCh37 (hg19) VCF-style: chr6-56366369-C-T.
Other names: c.13332G>A, p.Met4444Ile (NM_001144769.5); c.12918G>A, p.Met4306Ile (NM_001144770.2); c.19689G>A, p.Met6563Ile (NM_001374722.1); c.18729G>A, p.Met6243Ile (NM_001374729.1); c.12471G>A, p.Met4157Ile (NM_001374730.1); c.19716G>A, p.Met6572Ile (NM_001374734.1); c.12798G>A, p.Met4266Ile (NM_001386100.1, NM_183380.4); c.11820G>A, p.Met3940Ile (NM_015548.5); short protein forms M3940I, M4157I, M4266I, M4306I, M4444I, M6243I, M6563I, M6572I.
Identifiers: ClinVar variation 1006260 (VCV001006260.7), dbSNP rs1488090620, ClinGen allele CA364520478.